The following is an entry in ClinVar:

ClinVar aggregate classification (germline): Likely pathogenic (3 of 4 stars; one submission).

Conditions:
Familial adenomatous polyposis 1 (FAP1). Also called: FAMILIAL ADENOMATOUS POLYPOSIS 1, ATTENUATED; POLYPOSIS, ADENOMATOUS INTESTINAL. Identifiers: MedGen C2713442, MONDO:0021056, OMIM 175100. Disease mechanism: loss of function.

Submission:

ClinGen InSiGHT Hereditary Colorectal Cancer/Polyposis Variant Curation Expert Panel
Classification: Likely pathogenic for Familial adenomatous polyposis 1. Last evaluated: 2023-02-26. Review status: reviewed by expert panel. Criteria: ClinGen InSiGHT HCCP VCEP ACMG Specifications APC V1. Collection method: curation. Allele origin: germline. Inheritance: Autosomal dominant inheritance.
Comment: The NC_000005.10:g.(?_112775619)_(112801393_?)del variant in APC is a deletion predicted to result in an out-of-frame deletion of exons 5-8 in a gene in which loss-of-function is an established disease (PVS1). This variant is absent from gnomAD SVs v2.1 (PM2_Supporting). In summary, this variant meets the criteria to be classified as of Likely Pathogenic for FAP based on the ACMG/AMP criteria applied, as specified by the ClinGen InSiGHT Hereditary Colorectal Cancer/Polyposis Variant Curation Expert Panel: PVS1, PM2_Supporting (VCEP specifications version 1; date of approval: 12/12/2022).

NC_000005.10:g.(?_112775619)_(112801393_?)del

Variant type: Deletion.
Identifiers: ClinVar variation 2442316 (VCV002442316.1).